The following is an entry in ClinVar:

NC_012920.1(MT-TF):m.596T>C

Gene: MT-TF (mitochondrially encoded tRNA phenylalanine; plus strand).
Variant type: single nucleotide variant.
Genome position: chrM-596-T-C.
Identifiers: ClinVar variation 689813 (VCV000689813.1), dbSNP rs1556422474, ClinGen allele CA913175560.
Genomic context (GRCh38, chrMT:596, plus strand): 5'-CCATACCCCGAACCAACCAAACCCCAAAGACACCCCCCACAGTTTATGTAGCTTACCTCC[T>C]CAAAGCAATACACTGAAAATGTTTAGACGGGCTCACATCACCCCATAAACAAATAGGTTT-3'

ClinVar aggregate classification (germline): Benign (1 of 4 stars; one submission).

Conditions:
MELAS syndrome (MELAS). Also called: Juvenile myopathy, encephalopathy, lactic acidosis, stroke. Identifiers: Orphanet 550, MedGen C0162671, MONDO:0010789, OMIM 540000.

Submission:

Wong Mito Lab, Molecular and Human Genetics, Baylor College of Medicine
Classification: Benign for MELAS syndrome. Last evaluated: 2019-07-12. Review status: criteria provided, single submitter. Criteria: Modified ACMG Guidelines (Unpublished). Collection method: clinical testing. Allele origin: germline.
Comment: The NC_012920.1:m.596T>C variant in MT-TF gene is interpreted to be a Benign variant based on the modified ACMG guidelines (unpublished). This variant meets the following evidence codes reported in the guidelines: BS1, BS4, BP4

Literature cited by the submitters: PubMed 31965079.